The following is an entry in ClinVar:

ClinVar aggregate classification (germline): Uncertain significance (1 of 4 stars; one submission).

Submission:

Labcorp Genetics (formerly Invitae), Labcorp
Classification: Uncertain significance. Last evaluated: 2022-08-22. Review status: criteria provided, single submitter. Criteria: Invitae Variant Classification Sherloc (09022015). Collection method: clinical testing. Allele origin: germline.
Comment: In summary, the available evidence is currently insufficient to determine the role of this variant in disease. Therefore, it has been classified as a Variant of Uncertain Significance. Algorithms developed to predict the effect of sequence changes on RNA splicing suggest that this variant may create or strengthen a splice site. Algorithms developed to predict the effect of missense changes on protein structure and function output the following: SIFT: "Tolerated"; PolyPhen-2: "Benign"; Align-GVGD: "Class C0". The leucine amino acid residue is found in multiple mammalian species, which suggests that this missense change does not adversely affect protein function. This variant has not been reported in the literature in individuals affected with TMEM126A-related conditions. This variant is not present in population databases (gnomAD no frequency). This sequence change replaces phenylalanine, which is neutral and non-polar, with leucine, which is neutral and non-polar, at codon 86 of the TMEM126A protein (p.Phe86Leu).

NM_032273.4(TMEM126A):c.256T>C (p.Phe86Leu)

Gene: TMEM126A (transmembrane protein 126A; plus strand). Cytogenetic location: 11q14.1.
Variant type: single nucleotide variant.
Coding change: c.256T>C on transcript NM_032273.4 (MANE Select); coding-DNA position 256, T replaced by C.
Protein change: p.Phe86Leu; replaces phenylalanine 86 with leucine.
Molecular consequence: missense variant.
Genome position (GRCh38, 1-based): chr11:85,654,232, T>C. VCF-style: chr11-85654232-T-C. GRCh37 (hg19) VCF-style: chr11-85365276-T-C.
Other names: c.46T>C, p.Phe16Leu (NM_001244735.2); short protein forms F16L, F86L.
Identifiers: ClinVar variation 1715629 (VCV001715629.5), dbSNP rs2547851269, ClinGen allele CA381996314.